The following is an entry in ClinVar:

ClinVar aggregate classification (germline): Uncertain significance. Review status: criteria provided, multiple submitters, no conflicts (2 of 4 stars). 2 submissions from 2 submitters: Uncertain significance (2). Last evaluated 2025-08-31.

Conditions:
Inborn genetic diseases. Identifiers: MedGen C0950123, MeSH D030342.
MYO3A-related disorder. Also called: MYO3A-related condition.

Allele frequency attached by ClinVar (database versions not stated): ExAC 0.00002; gnomAD 0.00002; TOPMed 0.00005.
gnomAD v4.1: 16 of 1,613,406 alleles (0.00099%); highest among the groups gnomAD compares: Admixed American, 0.027%; no homozygotes.

Submissions (2):

Ambry Genetics
Classification: Uncertain significance for Inborn genetic diseases. Last evaluated: 2025-08-31. Review status: criteria provided, single submitter. Criteria: Ambry Variant Classification Scheme 2023. Collection method: clinical testing. Allele origin: germline.

PreventionGenetics, part of Exact Sciences
Classification: Uncertain significance for MYO3A-related condition. Last evaluated: 2024-11-05. Review status: criteria provided, single submitter. Criteria: ACMG Guidelines, 2015. Collection method: clinical testing. Allele origin: germline.
Comment: The MYO3A c.1608G>C variant is predicted to result in the amino acid substitution p.Leu536Phe. To our knowledge, this variant has not been reported in the literature. This variant is reported in 0.032% of alleles in individuals of Latino descent in gnomAD. At this time, the clinical significance of this variant is uncertain due to the absence of conclusive functional and genetic evidence.

NM_017433.5(MYO3A):c.1608G>C (p.Leu536Phe)

Gene: MYO3A (myosin IIIA; plus strand). Cytogenetic location: 10p12.1.
Variant type: single nucleotide variant.
Coding change: c.1608G>C on transcript NM_017433.5 (MANE Select); coding-DNA position 1608, G replaced by C.
Protein change: p.Leu536Phe; replaces leucine 536 with phenylalanine.
Molecular consequence: missense variant.
Genome position (GRCh38, 1-based): chr10:26,096,426, G>C. VCF-style: chr10-26096426-G-C. GRCh37 (hg19) VCF-style: chr10-26385355-G-C.
Other names: short protein forms L536F.
Identifiers: ClinVar variation 2597261 (VCV002597261.4), dbSNP rs765769520, ClinGen allele CA5444721.